The following is an entry in ClinVar:

NM_015295.3(SMCHD1):c.2668G>A (p.Ala890Thr)

Gene: SMCHD1 (structural maintenance of chromosomes flexible hinge domain containing 1; plus strand). Cytogenetic location: 18p11.32.
Variant type: single nucleotide variant.
Coding change: c.2668G>A on transcript NM_015295.3 (MANE Select); coding-DNA position 2668, G replaced by A.
Protein change: p.Ala890Thr; replaces alanine 890 with threonine.
Molecular consequence: missense variant.
Genome position (GRCh38, 1-based): chr18:2,724,963, G>A. VCF-style: chr18-2724963-G-A. GRCh37 (hg19) VCF-style: chr18-2724961-G-A.
Other names: short protein forms A890T.
Identifiers: ClinVar variation 1977794 (VCV001977794.5), dbSNP rs1456503122, ClinGen allele CA401682188.

ClinVar aggregate classification (germline): Uncertain significance (1 of 4 stars; one submission).

Conditions:
Facioscapulohumeral muscular dystrophy 2 (FSHD2). Also called: MUSCULAR DYSTROPHY, FACIOSCAPULOHUMERAL, TYPE 1B; FACIOSCAPULOHUMERAL MUSCULAR DYSTROPHY 2, DIGENIC; FSHD2, DIGENIC. Identifiers: Orphanet 269, MedGen C1834671, MONDO:0008031, OMIM 158901.

Allele frequency attached by ClinVar (database versions not stated): gnomAD exomes below 0.00001.
gnomAD v4.1: 4 of 1,589,718 alleles (0.00025%); highest among the groups gnomAD compares: Non-Finnish European, 0.00034%; no homozygotes.

Submission:

Labcorp Genetics (formerly Invitae), Labcorp
Classification: Uncertain significance for Facioscapulohumeral muscular dystrophy 2. Last evaluated: 2022-09-23. Review status: criteria provided, single submitter. Criteria: Invitae Variant Classification Sherloc (09022015). Collection method: clinical testing. Allele origin: germline.
Comment: This sequence change replaces alanine, which is neutral and non-polar, with threonine, which is neutral and polar, at codon 890 of the SMCHD1 protein (p.Ala890Thr). This variant is not present in population databases (gnomAD no frequency). This variant has not been reported in the literature in individuals affected with SMCHD1-related conditions. Advanced modeling of protein sequence and biophysical properties (such as structural, functional, and spatial information, amino acid conservation, physicochemical variation, residue mobility, and thermodynamic stability) has been performed at Invitae for this missense variant, however the output from this modeling did not meet the statistical confidence thresholds required to predict the impact of this variant on SMCHD1 protein function. In summary, the available evidence is currently insufficient to determine the role of this variant in disease. Therefore, it has been classified as a Variant of Uncertain Significance.